The following is an entry in ClinVar:

ClinVar aggregate classification (germline): Likely benign (1 of 4 stars; one submission).

gnomAD v4.1: 112 of 1,613,602 alleles (0.0069%); highest among the groups gnomAD compares: African/African-American, 0.096%; no homozygotes.

Submission:

CeGaT Center for Human Genetics Tuebingen
Classification: Likely benign. Last evaluated: 2026-08-01. Review status: criteria provided, single submitter. Criteria: CeGaT Center For Human Genetics Tuebingen Variant Classification Criteria Version 2. Collection method: clinical testing. Allele origin: germline. Affected: yes. Observed: 1 variant allele.
Comment: KDR: BP4, BP7

NM_002253.4(KDR):c.1032G>C (p.Val344=)

Gene: KDR (kinase insert domain receptor; minus strand). Cytogenetic location: 4q12.
Variant type: single nucleotide variant.
Coding change: c.1032G>C on transcript NM_002253.4 (MANE Select); coding-DNA position 1032, G replaced by C.
Protein change: p.Val344=; no amino-acid change (valine 344 retained).
Molecular consequence: synonymous variant.
Genome position (GRCh38, 1-based): chr4:55,110,713, C>G on the plus strand (G>C on the coding strand, the complement: KDR is on the minus strand). VCF-style: chr4-55110713-C-G. GRCh37 (hg19) VCF-style: chr4-55976880-C-G.
Identifiers: ClinVar variation 5039366 (VCV005039366.1).